The following is an entry in ClinVar:

ClinVar aggregate classification (germline): Uncertain significance (1 of 4 stars; one submission).

Conditions:
Retinoblastoma (RB1). Also called: RETINOBLASTOMA, SOMATIC. Identifiers: Orphanet 790, MedGen C0035335, MeSH D012175, MONDO:0008380, OMIM 180200, HP:0009919. Disease mechanism: loss of function. Inheritance: Both sporadic and heritable forms are tested..

Submission:

All of Us Research Program, National Institutes of Health
Classification: Uncertain significance for Retinoblastoma. Last evaluated: 2024-07-20. Review status: criteria provided, single submitter. Criteria: ACMG Guidelines, 2015. Collection method: clinical testing. Allele origin: germline. Inheritance: Autosomal dominant inheritance. Observed: 1 variant allele, 1 heterozygote.
Comment: This missense variant replaces threonine with alanine at codon 625 of the RB1 protein. Computational prediction suggests that this variant may not impact protein structure and function (internally defined REVEL score threshold <= 0.5, PMID: 27666373). To our knowledge, functional studies have not been reported for this variant. This variant has not been reported in individuals affected with hereditary cancer in the literature. This variant has not been identified in the general population by the Genome Aggregation Database (gnomAD). The available evidence is insufficient to determine the role of this variant in disease conclusively. Therefore, this variant is classified as a Variant of Uncertain Significance.

This study involves interpretation of variants in research participants for the purpose of population health screening. Participant phenotype was not available at the time of variant classification. Additional details can be found in publication PMID: 35346344, PMCID: PMC8962531

NM_000321.3(RB1):c.1873A>G (p.Thr625Ala)

Gene: RB1 (RB transcriptional corepressor 1; plus strand). Cytogenetic location: 13q14.2.
Variant type: single nucleotide variant.
Coding change: c.1873A>G on transcript NM_000321.3 (MANE Select); coding-DNA position 1873, A replaced by G.
Protein change: p.Thr625Ala; replaces threonine 625 with alanine.
Molecular consequence: missense variant.
Genome position (GRCh38, 1-based): chr13:48,456,262, A>G. VCF-style: chr13-48456262-A-G. GRCh37 (hg19) VCF-style: chr13-49030398-A-G.
Other names: c.1873A>G, p.Thr625Ala (NM_001407165.1); short protein forms T625A.
Identifiers: ClinVar variation 3387571 (VCV003387571.1).
Genomic context (GRCh38, chr13:48,456,262, plus strand): 5'-AGGTATCTTTCTCCTGTAAGATCTCCAAAGAAAAAAGGTTCAACTACGCGTGTAAATTCT[A>G]CTGCAAATGCAGAGACACAAGCAACCTCAGCCTTCCAGACCCAGAAGCCATTGAAATCTA-3'
Protein context (NP_000312.2, residues 615-635): KKGSTTRVNS[Thr625Ala]ANAETQATSA